The following is an entry in ClinVar:

ClinVar aggregate classification (germline): Uncertain significance (1 of 4 stars; one submission).

Submission:

GeneDx
Classification: Uncertain significance. Last evaluated: 2026-03-26. Review status: criteria provided, single submitter. Criteria: GeneDx Variant Classification Process June 2021. Collection method: clinical testing. Allele origin: germline.
Comment: Not observed at significant frequency in large population cohorts (gnomAD); In silico analysis supports that this missense variant has a deleterious effect on protein structure/function; Has not been previously published as pathogenic or benign to our knowledge

NM_001270.4(CHD1):c.3340A>G (p.Arg1114Gly)

Gene: CHD1 (chromodomain helicase DNA binding protein 1; minus strand). Cytogenetic location: 5q15.
Variant type: single nucleotide variant.
Coding change: c.3340A>G on transcript NM_001270.4 (MANE Select); coding-DNA position 3340, A replaced by G.
Protein change: p.Arg1114Gly; replaces arginine 1114 with glycine.
Molecular consequence: missense variant. On other transcripts: non-coding transcript variant (2).
Genome position (GRCh38, 1-based): chr5:98,876,456, T>C on the plus strand (A>G on the coding strand, the complement: CHD1 is on the minus strand). VCF-style: chr5-98876456-T-C. GRCh37 (hg19) VCF-style: chr5-98212160-T-C.
Other names: c.3340A>G, p.Arg1114Gly (NM_001364113.3, NM_001376194.2); short protein forms R1114G.
Identifiers: ClinVar variation 5017560 (VCV005017560.1).